The following is an entry in ClinVar:

NM_020822.3(KCNT1):c.406C>T (p.Leu136Phe)

Gene: KCNT1 (potassium sodium-activated channel subfamily T member 1; plus strand). Cytogenetic location: 9q34.3.
Variant type: single nucleotide variant.
Coding change: c.406C>T on transcript NM_020822.3 (MANE Select); coding-DNA position 406, C replaced by T.
Protein change: p.Leu136Phe; replaces leucine 136 with phenylalanine.
Molecular consequence: missense variant.
Genome position (GRCh38, 1-based): chr9:135,751,013, C>T. VCF-style: chr9-135751013-C-T. GRCh37 (hg19) VCF-style: chr9-138642859-C-T.
Other names: c.262C>T, p.Leu88Phe (NM_001272003.2); short protein forms L88F, L136F.
Identifiers: ClinVar variation 2010213 (VCV002010213.4), dbSNP rs2490782406, ClinGen allele CA375495032.

ClinVar aggregate classification (germline): Uncertain significance (1 of 4 stars; one submission).

Conditions:
Autosomal dominant nocturnal frontal lobe epilepsy 5. Also called: CILIARY DYSKINESIA, PRIMARY, 28, WITH SITUS INVERSUS; CILIARY DYSKINESIA, PRIMARY, 28, WITHOUT SITUS INVERSUS; KCNT1-Related Epilepsy; Epilepsy, nocturnal frontal lobe, 5. Identifiers: Orphanet 98784, MedGen C3554306, MONDO:0014002, OMIM 615005.
Developmental and epileptic encephalopathy, 14 (DEE14). Also called: Early infantile epileptic encephalopathy 14. Identifiers: Orphanet 293181, MedGen C3554195, MONDO:0013989, OMIM 614959.

Submission:

Labcorp Genetics (formerly Invitae), Labcorp
Classification: Uncertain significance for Autosomal dominant nocturnal frontal lobe epilepsy 5; Developmental and epileptic encephalopathy, 14. Last evaluated: 2022-11-10. Review status: criteria provided, single submitter. Criteria: Invitae Variant Classification Sherloc (09022015). Collection method: clinical testing. Allele origin: germline.
Comment: This sequence change replaces leucine, which is neutral and non-polar, with phenylalanine, which is neutral and non-polar, at codon 136 of the KCNT1 protein (p.Leu136Phe). This variant is not present in population databases (gnomAD no frequency). This variant has not been reported in the literature in individuals affected with KCNT1-related conditions. Advanced modeling of protein sequence and biophysical properties (such as structural, functional, and spatial information, amino acid conservation, physicochemical variation, residue mobility, and thermodynamic stability) performed at Invitae indicates that this missense variant is not expected to disrupt KCNT1 protein function. In summary, the available evidence is currently insufficient to determine the role of this variant in disease. Therefore, it has been classified as a Variant of Uncertain Significance.